The following is an entry in ClinVar:

NM_000287.4(PEX6):c.2534T>C (p.Ile845Thr)

Gene: PEX6 (peroxisomal biogenesis factor 6; minus strand). Cytogenetic location: 6p21.1.
Variant type: single nucleotide variant.
Coding change: c.2534T>C on transcript NM_000287.4 (MANE Select); coding-DNA position 2534, T replaced by C.
Protein change: p.Ile845Thr; replaces isoleucine 845 with threonine.
Molecular consequence: missense variant. On other transcripts: non-coding transcript variant (1).
Genome position (GRCh38, 1-based): chr6:42,965,306, A>G on the plus strand (T>C on the coding strand, the complement: PEX6 is on the minus strand). VCF-style: chr6-42965306-A-G. GRCh37 (hg19) VCF-style: chr6-42933044-A-G.
Other names: c.2270T>C, p.Ile757Thr (NM_001316313.2); short protein forms I845T, I757T.
Identifiers: ClinVar variation 857250 (VCV000857250.10), dbSNP rs61753226, ClinGen allele CA3810995.

ClinVar aggregate classification (germline): Uncertain significance. Review status: criteria provided, multiple submitters, no conflicts (2 of 4 stars). 6 submissions from 6 submitters: Uncertain significance (5). 1 of the submissions does not count toward it. Last evaluated 2025-10-22.

Conditions:
Peroxisome biogenesis disorder. Identifiers: Orphanet 79189, MedGen C1832200, MONDO:0019234. Disease mechanism: loss of function.
Peroxisome biogenesis disorder 4B (PBD4B). Also called: SPINOCEREBELLAR ATAXIA WITH BLINDNESS AND DEAFNESS 1. Identifiers: Orphanet 44, Orphanet 95433, MedGen C3553937, MONDO:0013931, OMIM 614863.
Peroxisome biogenesis disorder 4A (Zellweger) (PBD4A). Also called: Zellweger syndrome spectrum (PEX6-related). Identifiers: Orphanet 912, MedGen C3553936, MONDO:0013930, OMIM 614862. Disease mechanism: loss of function.
Heimler syndrome 2 (HMLR2). Also called: PEROXISOME BIOGENESIS DISORDER 4C. Identifiers: Orphanet 3220, MedGen C4225267, OMIM 616617, MONDO:0014709.
PEX6-related disorder. Also called: PEX6-related disorders; PEX6-related condition.
Zellweger spectrum disorders (ZS). Also called: Zellweger Spectrum Disorder (ZSD); Zellweger Spectrum Disorder; Zellweger Spectrum; Zellweger syndrome. Identifiers: Orphanet 912, MedGen C0043459, MONDO:0019609.

Allele frequency attached by ClinVar (database versions not stated): gnomAD 0.00012 and 0.00013; 1000 Genomes Project 0.00020; TOPMed 0.00023; 1000 Genomes Project 30x 0.00031; ExAC 0.00002; gnomAD exomes 0.00002.
gnomAD v4.1: 36 of 1,614,182 alleles (0.0022%); highest among the groups gnomAD compares: Admixed American, 0.048%; no homozygotes.

Submissions (6):

PreventionGenetics, part of Exact Sciences
Classification: Uncertain significance for PEX6-related condition. Last evaluated: 2025-10-22. Review status: criteria provided, single submitter. Criteria: ACMG Guidelines, 2015. Collection method: clinical testing. Allele origin: germline.
Comment: The PEX6 c.2534T>C variant is predicted to result in the amino acid substitution p.Ile845Thr. This variant was reported in the compound heterozygous state in an individual with peroxisome biogenesis disorder; however, the individual also carried a second rare missense variant on the same allele (Raas-Rothschild et al. 2002. PubMed ID: 11873320). This variant is reported in 0.017% of alleles in individuals of Latino descent in gnomAD. At this time, the clinical significance of this variant is uncertain due to the absence of conclusive functional and genetic evidence.

Labcorp Genetics (formerly Invitae), Labcorp
Classification: Uncertain significance for Peroxisome biogenesis disorder. Last evaluated: 2025-01-06. Review status: criteria provided, single submitter. Criteria: Invitae Variant Classification Sherloc (09022015). Collection method: clinical testing. Allele origin: germline.
Comment: This sequence change replaces isoleucine, which is neutral and non-polar, with threonine, which is neutral and polar, at codon 845 of the PEX6 protein (p.Ile845Thr). This variant is present in population databases (rs61753226, gnomAD 0.02%). This missense change has been observed in individual(s) with clinical and biochemical features of peroxisomal biogenesis disorders (PMID: 11873320). In at least one individual the data is consistent with being in trans (on the opposite chromosome) from a pathogenic variant. ClinVar contains an entry for this variant (Variation ID: 857250). Invitae Evidence Modeling of protein sequence and biophysical properties (such as structural, functional, and spatial information, amino acid conservation, physicochemical variation, residue mobility, and thermodynamic stability) indicates that this missense variant is expected to disrupt PEX6 protein function with a positive predictive value of 80%. In summary, the available evidence is currently insufficient to determine the role of this variant in disease. Therefore, it has been classified as a Variant of Uncertain Significance.

GeneDx
Classification: Uncertain significance. Last evaluated: 2024-03-12. Review status: criteria provided, single submitter. Criteria: GeneDx Variant Classification Process June 2021. Collection method: clinical testing. Allele origin: germline. Affected: yes.
Comment: In silico analysis supports that this missense variant has a deleterious effect on protein structure/function; This variant is associated with the following publications: (PMID: 29152457, 31374812, 11873320)

Fulgent Genetics
Classification: Uncertain significance for Peroxisome biogenesis disorder 4A (Zellweger); Peroxisome biogenesis disorder 4B; Heimler syndrome 2. Last evaluated: 2021-09-06. Review status: criteria provided, single submitter. Criteria: ACMG Guidelines, 2015. Collection method: clinical testing. Allele origin: unknown.

Blueprint Genetics
Classification: Uncertain significance. Last evaluated: 2020-03-23. Review status: criteria provided, single submitter. Criteria: ACMG Guidelines, 2015. Collection method: clinical testing. Allele origin: germline.

Natera, Inc.
Classification: Uncertain significance for Zellweger syndrome. Last evaluated: 2020-09-16. Review status: no assertion criteria provided. Collection method: clinical testing. Allele origin: germline. Not counted in ClinVar's aggregate classification.

Literature cited by the submitters: PubMed 11873320 (cited by Labcorp Genetics (formerly Invitae), Labcorp).